The following is an entry in ClinVar:

ClinVar aggregate classification (germline): Pathogenic (1 of 4 stars; one submission).

Conditions:
Neurofibromatosis, type 1 (NF1). Also called: NEUROFIBROMATOSIS, TYPE I, SOMATIC; Neurofibromatosis, type I; Peripheral type neurofibromatosis; VON RECKLINGHAUSEN DISEASE. Identifiers: Orphanet 636, MedGen C0027831, MONDO:0018975, OMIM 162200. Disease mechanism: loss of function.

Submission:

Labcorp Genetics (formerly Invitae), Labcorp
Classification: Pathogenic for Neurofibromatosis, type 1. Last evaluated: 2023-09-29. Review status: criteria provided, single submitter. Criteria: Invitae Variant Classification Sherloc (09022015). Collection method: clinical testing. Allele origin: germline.
Comment: For these reasons, this variant has been classified as Pathogenic. ClinVar contains an entry for this variant (Variation ID: 2028065). This variant has not been reported in the literature in individuals affected with NF1-related conditions. This variant is not present in population databases (gnomAD no frequency). This sequence change creates a premature translational stop signal (p.Ala2623Serfs*16) in the NF1 gene. It is expected to result in an absent or disrupted protein product. Loss-of-function variants in NF1 are known to be pathogenic (PMID: 10712197, 23913538).

Literature cited by the submitters: PubMed 10712197; PubMed 23913538.

NM_001042492.3(NF1):c.7925_7926insT (p.Ala2644fs)

Gene: NF1 (neurofibromin 1; plus strand). Cytogenetic location: 17q11.2.
Variant type: Insertion.
Coding change: c.7925_7926insT on transcript NM_001042492.3 (MANE Select); coding-DNA positions 7925 to 7926, T inserted.
Protein change: p.Ala2644fs; shifts the reading frame from alanine 2644.
Molecular consequence: frameshift variant.
Genome position: GRCh38 VCF-style: chr17-31357324-A-AT. GRCh37 (hg19) VCF-style: chr17-29684342-A-AT.
Other names: c.7862_7863insT, p.Ala2623Serfs (NM_000267.4); short protein forms A2623fs, A2644fs.
Identifiers: ClinVar variation 2028065 (VCV002028065.4), dbSNP rs2508830118, ClinGen allele CA2580093473.
Genomic context (GRCh38, chr17:31,357,324, plus strand): 5'-GGCAGGCTACACTGGTAAAATATACCACAGATGAGTTTGATCAACGAATTCTTTATGAAT[A>AT]CTTAGCAGAGGCCAGTGTTGTGTTTCCCAAAGTCTTTCCTGTTGTGTAAGTATCTCCTTT-3'